The following is an entry in ClinVar:

NM_000829.4(GRIA4):c.2651C>A (p.Thr884Asn)

Gene: GRIA4 (glutamate ionotropic receptor AMPA type subunit 4; plus strand). Cytogenetic location: 11q22.3.
Variant type: single nucleotide variant.
Coding change: c.2651C>A on transcript NM_000829.4 (MANE Select); coding-DNA position 2651, C replaced by A.
Protein change: p.Thr884Asn; replaces threonine 884 with asparagine.
Molecular consequence: missense variant. On other transcripts: 3 prime UTR variant (1), non-coding transcript variant (1).
Genome position (GRCh38, 1-based): chr11:105,979,681, C>A. VCF-style: chr11-105979681-C-A. GRCh37 (hg19) VCF-style: chr11-105850408-C-A.
Other names: c.*109C>A (NM_001077243.3); short protein forms T884N.
Identifiers: ClinVar variation 3765645 (VCV003765645.1).

ClinVar aggregate classification (germline): Uncertain significance (1 of 4 stars; one submission).

Submission:

Greenwood Genetic Center Diagnostic Laboratories, Greenwood Genetic Center
Classification: Uncertain significance. Last evaluated: 2024-09-13. Review status: criteria provided, single submitter. Criteria: ACMG Guidelines, 2015. Collection method: clinical testing. Allele origin: germline. Affected: yes.
Comment: PM2, BP4, PP2